The following is an entry in ClinVar:

ClinVar aggregate classification (germline): Uncertain significance (1 of 4 stars; one submission).

Conditions:
Inborn genetic diseases. Identifiers: MedGen C0950123, MeSH D030342.

Submission:

Ambry Genetics
Classification: Uncertain significance for Inborn genetic diseases. Last evaluated: 2020-02-04. Review status: criteria provided, single submitter. Criteria: Ambry Variant Classification Scheme 2023. Collection method: clinical testing. Allele origin: germline.
Comment: The p.Q495L variant (also known as c.1484A>T), located in coding exon 15 of the SMC3 gene, results from an A to T substitution at nucleotide position 1484. The glutamine at codon 495 is replaced by leucine, an amino acid with dissimilar properties. This amino acid position is highly conserved in available vertebrate species. In addition, the in silico prediction for this alteration is inconclusive. Since supporting evidence is limited at this time, the clinical significance of this alteration remains unclear.

NM_005445.4(SMC3):c.1484A>T (p.Gln495Leu)

Gene: SMC3 (structural maintenance of chromosomes 3; plus strand). Cytogenetic location: 10q25.2.
Variant type: single nucleotide variant.
Coding change: c.1484A>T on transcript NM_005445.4 (MANE Select); coding-DNA position 1484, A replaced by T.
Protein change: p.Gln495Leu; replaces glutamine 495 with leucine.
Molecular consequence: missense variant.
Genome position (GRCh38, 1-based): chr10:110,589,966, A>T. VCF-style: chr10-110589966-A-T. GRCh37 (hg19) VCF-style: chr10-112349724-A-T.
Other names: short protein forms Q495L.
Identifiers: ClinVar variation 1773629 (VCV001773629.2), dbSNP rs2493126420, ClinGen allele CA378388142.